The following is an entry in ClinVar:

ClinVar aggregate classification (germline): Likely benign. Review status: criteria provided, multiple submitters, no conflicts (2 of 4 stars). 2 submissions from 2 submitters: Likely benign (2). Last evaluated 2021-12-17.

Conditions:
Dilated cardiomyopathy 1G (CMD1G). Identifiers: Orphanet 154, MedGen C1858763, MONDO:0011400, OMIM 604145.
Autosomal recessive limb-girdle muscular dystrophy type 2J (LGMDR10). Also called: Limb-girdle muscular dystrophy, type 2J; MUSCULAR DYSTROPHY, LIMB-GIRDLE, AUTOSOMAL RECESSIVE 10. Identifiers: Orphanet 140922, MedGen C1837342, MONDO:0012127, OMIM 608807.

Allele frequency attached by ClinVar (database versions not stated): gnomAD exomes below 0.00001 and 0.00001.
gnomAD v4.1: 14 of 1,606,922 alleles (0.00087%); highest among the groups gnomAD compares: Non-Finnish European, 0.0011%; no homozygotes.

Submissions (2):

Labcorp Genetics (formerly Invitae), Labcorp
Classification: Likely benign for Dilated cardiomyopathy 1G; Autosomal recessive limb-girdle muscular dystrophy type 2J. Last evaluated: 2021-12-17. Review status: criteria provided, single submitter. Criteria: Invitae Variant Classification Sherloc (09022015). Collection method: clinical testing. Allele origin: germline.

GeneDx
Classification: Likely benign. Last evaluated: 2017-06-20. Review status: criteria provided, single submitter. Criteria: GeneDx Variant Classification (06012015). Collection method: clinical testing. Allele origin: germline. Affected: yes.
Comment: This variant is considered likely benign or benign based on one or more of the following criteria: it is a conservative change, it occurs at a poorly conserved position in the protein, it is predicted to be benign by multiple in silico algorithms, and/or has population frequency not consistent with disease.

NM_001267550.2(TTN):c.23939-5C>T

Gene: TTN (titin; minus strand). Cytogenetic location: 2q31.2.
Variant type: single nucleotide variant.
Coding change: c.23939-5C>T on transcript NM_001267550.2 (MANE Select); 5 bases into the intron before coding-DNA position 23939, C replaced by T.
Molecular consequence: intron variant.
Genome position (GRCh38, 1-based): chr2:178,719,456, G>A on the plus strand (C>T on the coding strand, the complement: TTN is on the minus strand). VCF-style: chr2-178719456-G-A. GRCh37 (hg19) VCF-style: chr2-179584183-G-A.
Other names: c.22988-5C>T (NM_001256850.1); c.13282+18626C>T (NM_003319.4); c.13858+18626C>T (NM_133437.4); c.13657+18626C>T (NM_133432.3); c.20207-5C>T (NM_133378.4).
Identifiers: ClinVar variation 506722 (VCV000506722.6), dbSNP rs1214280183, ClinGen allele CA538437515.